The following is an entry in ClinVar:

ClinVar aggregate classification (germline): Pathogenic (1 of 4 stars; one submission).

Submission:

Labcorp Genetics (formerly Invitae), Labcorp
Classification: Pathogenic. Last evaluated: 2023-03-26. Review status: criteria provided, single submitter. Criteria: Invitae Variant Classification Sherloc (09022015). Collection method: clinical testing. Allele origin: germline.
Comment: For these reasons, this variant has been classified as Pathogenic. This variant has not been reported in the literature in individuals affected with HACE1-related conditions. A gross deletion of the genomic region encompassing the full coding sequence of the HACE1 gene has been identified. Loss-of-function variants in HACE1 are known to be pathogenic (PMID: 26424145, 26437029). The boundaries of this event are unknown as they extend beyond the assayed region for this gene and therefore may encompass additional genes.

Literature cited by the submitters: PubMed 26424145; PubMed 26437029.

NC_000006.11:g.(?_105177537)_(105307517_?)del

Gene: HACE1 (HECT domain and ankyrin repeat containing E3 ubiquitin protein ligase 1; minus strand). Cytogenetic location: 6q16.3.
Variant type: Deletion.
Identifiers: ClinVar variation 1460183 (VCV001460183.5).